The following is an entry in ClinVar:

NM_001042492.3(NF1):c.403_407del (p.Arg135fs)

Gene: NF1 (neurofibromin 1; plus strand). Cytogenetic location: 17q11.2.
Variant type: Deletion.
Coding change: c.403_407del on transcript NM_001042492.3 (MANE Select); coding-DNA positions 403 to 407, 5 bases deleted (CGGAA; older notation c.403_407delCGGAA).
Protein change: p.Arg135fs; shifts the reading frame from arginine 135.
Molecular consequence: frameshift variant.
Genome position (GRCh38, 1-based): chr17:31,163,300-31,163,304, CGGAA deleted. VCF-style (leftmost placement, unchanged base first): chr17-31163299-TCGGAA-T. GRCh37 (hg19) VCF-style: chr17-29490317-TCGGAA-T.
Other names: c.403_407del, p.Arg135fs (NM_001128147.3); c.403_407delCGGAA, p.Arg135Phefs (NM_000267.4); short protein forms R135fs.
Identifiers: ClinVar variation 1452951 (VCV001452951.6), dbSNP rs2143672609, ClinGen allele CA2573153588.
Genomic context (GRCh38, chr17:31,163,299, plus strand): 5'-GCCAGAAATCTGCCATTTTCTTCACACCTGTCGTGAAGGAAACCAGCATGCAGCTGAACT[TCGGAA>T]TTCTGCCTCTGGGGTTTTATTTTCTCTCAGCTGCAACAACTTCAATGCAGTCTTTAGTCG-3'

ClinVar aggregate classification (germline): Pathogenic (1 of 4 stars; one submission).

Conditions:
Neurofibromatosis, type 1 (NF1). Also called: Neurofibromatosis, type I; VON RECKLINGHAUSEN DISEASE; NEUROFIBROMATOSIS, TYPE I, SOMATIC; Peripheral type neurofibromatosis. Identifiers: Orphanet 636, MedGen C0027831, MONDO:0018975, OMIM 162200. Disease mechanism: loss of function.

Submission:

Labcorp Genetics (formerly Invitae), Labcorp
Classification: Pathogenic for Neurofibromatosis, type 1. Last evaluated: 2022-07-11. Review status: criteria provided, single submitter. Criteria: Invitae Variant Classification Sherloc (09022015). Collection method: clinical testing. Allele origin: germline.
Comment: For these reasons, this variant has been classified as Pathogenic. ClinVar contains an entry for this variant (Variation ID: 1452951). This variant has not been reported in the literature in individuals affected with NF1-related conditions. This variant is not present in population databases (gnomAD no frequency). This sequence change creates a premature translational stop signal (p.Arg135Phefs*19) in the NF1 gene. It is expected to result in an absent or disrupted protein product. Loss-of-function variants in NF1 are known to be pathogenic (PMID: 10712197, 23913538).

Literature cited by the submitters: PubMed 10712197; PubMed 23913538.